The following is an entry in ClinVar:

NM_024818.6(UBA5):c.1211T>C (p.Met404Thr)

Genes: NPHP3-ACAD11 (NPHP3-ACAD11 readthrough (NMD candidate); minus strand), UBA5 (ubiquitin like modifier activating enzyme 5; plus strand). Cytogenetic location: 3q22.1.
Variant type: single nucleotide variant.
Coding change: c.1211T>C on transcript NM_024818.6 (MANE Select); coding-DNA position 1211, T replaced by C.
Protein change: p.Met404Thr; replaces methionine 404 with threonine.
Molecular consequence: missense variant.
Genome position (GRCh38, 1-based): chr3:132,676,522, T>C. VCF-style: chr3-132676522-T-C. GRCh37 (hg19) VCF-style: chr3-132395366-T-C.
Other names: c.1043T>C, p.Met348Thr (NM_001320210.2, NM_198329.4); c.941T>C, p.Met314Thr (NM_001321238.2); c.875T>C, p.Met292Thr (NM_001321239.1); short protein forms M292T, M314T, M348T, M404T.
Identifiers: ClinVar variation 1721822 (VCV001721822.5), dbSNP rs1938846580, ClinGen allele CA354577256.
Genomic context (GRCh38, chr3:132,676,522, plus strand): 5'-AGTTAACAGTGGAAGATTCTGGTGAAAGCTTGGAAGACCTCATGGCCAAAATGAAGAATA[T>C]GTAGATAATGGACTGGGATATATTGTATTTCTCATGTTAAAGCCTCTTCCCTTGAAATTA-3'
Protein context (NP_079094.1, residues 394-404): LEDLMAKMKN[Met404Thr]

ClinVar aggregate classification (germline): Uncertain significance (1 of 4 stars; one submission).

Submission:

Labcorp Genetics (formerly Invitae), Labcorp
Classification: Uncertain significance. Last evaluated: 2023-08-10. Review status: criteria provided, single submitter. Criteria: Invitae Variant Classification Sherloc (09022015). Collection method: clinical testing. Allele origin: germline.
Comment: This sequence change replaces methionine, which is neutral and non-polar, with threonine, which is neutral and polar, at codon 404 of the UBA5 protein (p.Met404Thr). This variant is not present in population databases (gnomAD no frequency). This variant has not been reported in the literature in individuals affected with UBA5-related conditions. ClinVar contains an entry for this variant (Variation ID: 1721822). An algorithm developed to predict the effect of missense changes on protein structure and function (PolyPhen-2) suggests that this variant is likely to be tolerated. In summary, the available evidence is currently insufficient to determine the role of this variant in disease. Therefore, it has been classified as a Variant of Uncertain Significance.